The following is an entry in ClinVar:

ClinVar aggregate classification (germline): Uncertain significance. Review status: criteria provided, multiple submitters, no conflicts (2 of 4 stars). 2 submissions from 2 submitters: Uncertain significance (2). Last evaluated 2025-12-11.

Conditions:
Inborn genetic diseases. Identifiers: MedGen C0950123, MeSH D030342.
Bethlem myopathy 1A. Also called: Bethlem Muscular Dystrophy; Bethlem myopathy 1; MYOPATHY, BENIGN CONGENITAL, WITH CONTRACTURES. Identifiers: Orphanet 610, MedGen CN029274, MONDO:0024530, OMIM 158810.

Allele frequency attached by ClinVar (database versions not stated): gnomAD exomes 0.00001 and 0.00002; TOPMed 0.00001; ExAC 0.00002.
gnomAD v4.1: 19 of 1,598,818 alleles (0.0012%); highest among the groups gnomAD compares: South Asian, 0.0055%; no homozygotes.

Submissions (2):

Ambry Genetics
Classification: Uncertain significance for Inborn genetic diseases. Last evaluated: 2025-12-11. Review status: criteria provided, single submitter. Criteria: Ambry Variant Classification Scheme 2023. Collection method: clinical testing. Allele origin: germline.

Labcorp Genetics (formerly Invitae), Labcorp
Classification: Uncertain significance for Bethlem myopathy 1A. Last evaluated: 2025-06-23. Review status: criteria provided, single submitter. Criteria: Invitae Variant Classification Sherloc (09022015). Collection method: clinical testing. Allele origin: germline.
Comment: This sequence change replaces proline, which is neutral and non-polar, with leucine, which is neutral and non-polar, at codon 807 of the COL6A2 protein (p.Pro807Leu). This variant is present in population databases (rs768417049, gnomAD 0.006%). This variant has not been reported in the literature in individuals affected with COL6A2-related conditions. ClinVar contains an entry for this variant (Variation ID: 647616). An algorithm developed to predict the effect of missense changes on protein structure and function (PolyPhen-2) suggests that this variant is likely to be tolerated. In summary, the available evidence is currently insufficient to determine the role of this variant in disease. Therefore, it has been classified as a Variant of Uncertain Significance.

NM_001849.4(COL6A2):c.2420C>T (p.Pro807Leu)

Gene: COL6A2 (collagen type VI alpha 2 chain; plus strand). Cytogenetic location: 21q22.3.
Variant type: single nucleotide variant.
Coding change: c.2420C>T on transcript NM_001849.4 (MANE Select); coding-DNA position 2420, C replaced by T.
Protein change: p.Pro807Leu; replaces proline 807 with leucine.
Molecular consequence: missense variant.
Genome position (GRCh38, 1-based): chr21:46,126,235, C>T. VCF-style: chr21-46126235-C-T. GRCh37 (hg19) VCF-style: chr21-47546149-C-T.
Other names: c.2420C>T, p.Pro807Leu (NM_058174.3, NM_058175.3); short protein forms P807L.
Identifiers: ClinVar variation 647616 (VCV000647616.12), dbSNP rs768417049, ClinGen allele CA10072556.